The following is an entry in ClinVar:

ClinVar aggregate classification (germline): Uncertain significance (1 of 4 stars; one submission).

Submission:

Labcorp Genetics (formerly Invitae), Labcorp
Classification: Uncertain significance. Last evaluated: 2022-07-18. Review status: criteria provided, single submitter. Criteria: Invitae Variant Classification Sherloc (09022015). Collection method: clinical testing. Allele origin: germline.
Comment: In summary, the available evidence is currently insufficient to determine the role of this variant in disease. Therefore, it has been classified as a Variant of Uncertain Significance. Algorithms developed to predict the effect of missense changes on protein structure and function are either unavailable or do not agree on the potential impact of this missense change (SIFT: "Tolerated"; PolyPhen-2: "Probably Damaging"; Align-GVGD: "Class C0"). This variant has not been reported in the literature in individuals affected with HMCN1-related conditions. This variant is not present in population databases (gnomAD no frequency). This sequence change replaces lysine, which is basic and polar, with arginine, which is basic and polar, at codon 1816 of the HMCN1 protein (p.Lys1816Arg).

NM_031935.3(HMCN1):c.5447A>G (p.Lys1816Arg)

Gene: HMCN1 (hemicentin 1; plus strand). Cytogenetic location: 1q31.1.
Variant type: single nucleotide variant.
Coding change: c.5447A>G on transcript NM_031935.3 (MANE Select); coding-DNA position 5447, A replaced by G.
Protein change: p.Lys1816Arg; replaces lysine 1816 with arginine.
Molecular consequence: missense variant.
Genome position (GRCh38, 1-based): chr1:186,018,329, A>G. VCF-style: chr1-186018329-A-G. GRCh37 (hg19) VCF-style: chr1-185987461-A-G.
Other names: short protein forms K1816R.
Identifiers: ClinVar variation 1922826 (VCV001922826.5), dbSNP rs2527540423, ClinGen allele CA343891630.